The following is an entry in ClinVar:

ClinVar aggregate classification (germline): Uncertain significance (1 of 4 stars; one submission).

Allele frequency attached by ClinVar (database versions not stated): gnomAD 0.00001; gnomAD exomes 0.00002 and 0.00004; ExAC 0.00005; TOPMed 0.00005.
gnomAD v4.1: 13 of 1,593,300 alleles (0.00082%); highest among the groups gnomAD compares: Admixed American, 0.024%; no homozygotes.

Submission:

Labcorp Genetics (formerly Invitae), Labcorp
Classification: Uncertain significance. Last evaluated: 2024-01-22. Review status: criteria provided, single submitter. Criteria: Invitae Variant Classification Sherloc (09022015). Collection method: clinical testing. Allele origin: germline.
Comment: This sequence change falls in intron 20 of the CPLANE1 gene. It does not directly change the encoded amino acid sequence of the CPLANE1 protein. It affects a nucleotide within the consensus splice site. This variant is present in population databases (rs768935088, gnomAD 0.03%). This variant has not been reported in the literature in individuals affected with CPLANE1-related conditions. ClinVar contains an entry for this variant (Variation ID: 1354590). Variants that disrupt the consensus splice site are a relatively common cause of aberrant splicing (PMID: 17576681, 9536098). Algorithms developed to predict the effect of sequence changes on RNA splicing suggest that this variant is not likely to affect RNA splicing. In summary, the available evidence is currently insufficient to determine the role of this variant in disease. Therefore, it has been classified as a Variant of Uncertain Significance.

Literature cited by the submitters: PubMed 17576681; PubMed 9536098.

NM_001384732.1(CPLANE1):c.3673-3T>C

Gene: CPLANE1 (ciliogenesis and planar polarity effector complex subunit 1; minus strand). Cytogenetic location: 5p13.2.
Variant type: single nucleotide variant.
Coding change: c.3673-3T>C on transcript NM_001384732.1 (MANE Select); 3 bases into the intron before coding-DNA position 3673, T replaced by C.
Molecular consequence: intron variant.
Genome position (GRCh38, 1-based): chr5:37,195,999, A>G on the plus strand (T>C on the coding strand, the complement: CPLANE1 is on the minus strand). VCF-style: chr5-37195999-A-G. GRCh37 (hg19) VCF-style: chr5-37196101-A-G.
Other names: c.3673-3T>C (NM_023073.4).
Identifiers: ClinVar variation 1354590 (VCV001354590.4), dbSNP rs768935088, ClinGen allele CA3238874.